The following is an entry in ClinVar:

ClinVar aggregate classification (germline): Likely benign. Review status: criteria provided, multiple submitters, no conflicts (2 of 4 stars). 3 submissions from 3 submitters: Likely benign (2). 1 of the submissions does not count toward it. Last evaluated 2025-11-17.

Conditions:
CEP120-related disorder. Also called: CEP120-related condition; CEP120-Related Disorders.
Short-rib thoracic dysplasia 13 with or without polydactyly (SRTD13). Identifiers: Orphanet 474, MedGen C4225378, MONDO:0014577, OMIM 616300.

Allele frequency attached by ClinVar (database versions not stated): ExAC 0.00010; 1000 Genomes Project 0.00020; 1000 Genomes Project 30x 0.00031; gnomAD exomes 0.00001 and 0.00009; gnomAD 0.00003 and 0.00005; TOPMed 0.00004.
gnomAD v4.1: 43 of 1,614,084 alleles (0.0027%); highest among the groups gnomAD compares: East Asian, 0.042%; no homozygotes.

Submissions (3):

Labcorp Genetics (formerly Invitae), Labcorp
Classification: Likely benign for Short-rib thoracic dysplasia 13 with or without polydactyly. Last evaluated: 2025-11-17. Review status: criteria provided, single submitter. Criteria: Invitae Variant Classification Sherloc (09022015). Collection method: clinical testing. Allele origin: germline.

Blueprint Genetics
Classification: Likely benign. Last evaluated: 2024-06-17. Review status: criteria provided, single submitter. Criteria: ACMG Guidelines, 2015. Collection method: clinical testing. Allele origin: germline.

PreventionGenetics, part of Exact Sciences
Classification: Likely benign for CEP120-related condition. Last evaluated: 2019-08-16. Review status: no assertion criteria provided. Collection method: clinical testing. Allele origin: germline. Not counted in ClinVar's aggregate classification.
Comment: This variant is classified as likely benign based on ACMG/AMP sequence variant interpretation guidelines (Richards et al. 2015 PMID: 25741868, with internal and published modifications).

NM_001375405.1(CEP120):c.1113G>A (p.Lys371=)

Gene: CEP120 (centrosomal protein 120; minus strand). Cytogenetic location: 5q23.2.
Variant type: single nucleotide variant.
Coding change: c.1113G>A on transcript NM_001375405.1 (MANE Select); coding-DNA position 1113, G replaced by A.
Protein change: p.Lys371=; no amino-acid change (lysine 371 retained).
Molecular consequence: synonymous variant. On other transcripts: non-coding transcript variant (1), intron variant (1).
Genome position (GRCh38, 1-based): chr5:123,390,066, C>T on the plus strand (G>A on the coding strand, the complement: CEP120 is on the minus strand). VCF-style: chr5-123390066-C-T. GRCh37 (hg19) VCF-style: chr5-122725760-C-T.
Other names: c.1035G>A, p.Lys345= (NM_001166226.2); c.1113G>A, p.Lys371= (NM_001375407.1, NM_153223.4); c.540G>A, p.Lys180= (NM_001375408.1, NM_001375409.1); c.1039-61G>A (NM_001375406.1).
Identifiers: ClinVar variation 713069 (VCV000713069.13), dbSNP rs375230630, ClinGen allele CA3387051.